The following is an entry in ClinVar:

NM_001182.5(ALDH7A1):c.1263G>A (p.Ala421=)

Gene: ALDH7A1 (aldehyde dehydrogenase 7 family member A1; minus strand). Cytogenetic location: 5q23.2.
Variant type: single nucleotide variant.
Coding change: c.1263G>A on transcript NM_001182.5 (MANE Select); coding-DNA position 1263, G replaced by A.
Protein change: p.Ala421=; no amino-acid change (alanine 421 retained).
Molecular consequence: synonymous variant.
Genome position (GRCh38, 1-based): chr5:126,552,075, C>T on the plus strand (G>A on the coding strand, the complement: ALDH7A1 is on the minus strand). VCF-style: chr5-126552075-C-T. GRCh37 (hg19) VCF-style: chr5-125887767-C-T.
Other names: p.A421A:GCG>GCA; c.1179G>A, p.Ala393= (NM_001201377.2); c.1071G>A, p.Ala357= (NM_001202404.2).
Identifiers: ClinVar variation 136375 (VCV000136375.16), dbSNP rs587780850, ClinGen allele CA289413.

ClinVar aggregate classification (germline): Benign/Likely benign. Review status: criteria provided, multiple submitters, no conflicts (2 of 4 stars). 5 submissions from 5 submitters: Benign (1); Likely benign (3). 1 of the submissions does not count toward it. Last evaluated 2026-02-02.

Conditions:
Pyridoxine-dependent epilepsy (EPEO4). Also called: PYRIDOXINE DEPENDENCY WITH SEIZURES; Pyridoxine-Dependent Epilepsy - ALDH7A1; EPILEPSY, EARLY-ONSET, 4, VITAMIN B6-DEPENDENT; Pyridoxine-Dependent Seizures. Identifiers: Orphanet 3006, MedGen C1849508, MONDO:0009945, OMIM 266100. Disease mechanism: loss of function.

Allele frequency attached by ClinVar (database versions not stated): gnomAD 0.00011; TOPMed 0.00019; ExAC 0.00025; gnomAD exomes 0.00030 and 0.00039.
gnomAD v4.1: 443 of 1,613,990 alleles (0.027%); highest among the groups gnomAD compares: Admixed American, 0.16%; 1 homozygote.

Submissions (5):

Labcorp Genetics (formerly Invitae), Labcorp
Classification: Likely benign for Pyridoxine-dependent epilepsy. Last evaluated: 2026-02-02. Review status: criteria provided, single submitter. Criteria: Invitae Variant Classification Sherloc (09022015). Collection method: clinical testing. Allele origin: germline.

Blueprint Genetics
Classification: Likely benign. Last evaluated: 2023-06-13. Review status: criteria provided, single submitter. Criteria: ACMG Guidelines, 2015. Collection method: clinical testing. Allele origin: germline.

Athena Diagnostics
Classification: Likely benign. Last evaluated: 2017-03-15. Review status: criteria provided, single submitter. Criteria: Athena Diagnostics Criteria. Collection method: clinical testing. Allele origin: germline.

GeneDx
Classification: Benign. Last evaluated: 2013-07-24. Review status: criteria provided, single submitter. Criteria: GeneDx Variant Classification (06012015). Collection method: clinical testing. Allele origin: germline. Affected: yes.
Comment: This variant is considered likely benign or benign based on one or more of the following criteria: it is a conservative change, it occurs at a poorly conserved position in the protein, it is predicted to be benign by multiple in silico algorithms, and/or has population frequency not consistent with disease.

Eurofins Ntd Llc (ga)
Classification: Uncertain significance. Last evaluated: 2015-11-18. Review status: flagged submission. Criteria: EGL Classification Definitions 2015. Collection method: clinical testing. Allele origin: germline. Observed: 1 variant allele, 1 heterozygote. Not counted in ClinVar's aggregate classification.
ClinVar note: Reason: Outlier claim with insufficient supporting evidence